The following is an entry in ClinVar:

NM_001172303.3(MASTL):c.1130C>T (p.Ala377Val)

Gene: MASTL (microtubule associated serine/threonine kinase like; plus strand). Cytogenetic location: 10p12.1.
Variant type: single nucleotide variant.
Coding change: c.1130C>T on transcript NM_001172303.3 (MANE Select); coding-DNA position 1130, C replaced by T.
Protein change: p.Ala377Val; replaces alanine 377 with valine.
Molecular consequence: missense variant. On other transcripts: non-coding transcript variant (1).
Genome position (GRCh38, 1-based): chr10:27,170,089, C>T. VCF-style: chr10-27170089-C-T. GRCh37 (hg19) VCF-style: chr10-27459018-C-T.
Other names: c.1130C>T, p.Ala377Val (NM_001172304.3, NM_001320756.2, NM_001320757.2 and 1 more transcripts); c.647C>T, p.Ala216Val (NM_001372029.1, NM_001372030.1); short protein forms A216V, A377V.
Identifiers: ClinVar variation 3348927 (VCV003348927.2).

ClinVar aggregate classification (germline): Likely benign. Review status: criteria provided, single submitter (1 of 4 stars). 2 submissions from 2 submitters: Likely benign (1). 1 of the submissions does not count toward it. Last evaluated 2024-11-06.

Conditions:
MASTL-related disorder. Also called: MASTL-related condition.

Submissions (2):

Blueprint Genetics
Classification: Likely benign. Last evaluated: 2024-11-06. Review status: criteria provided, single submitter. Criteria: ACMG Guidelines, 2015. Collection method: clinical testing. Allele origin: germline.

PreventionGenetics, part of Exact Sciences
Classification: Likely benign for MASTL-related condition. Last evaluated: 2024-07-01. Review status: no assertion criteria provided. Collection method: clinical testing. Allele origin: germline. Not counted in ClinVar's aggregate classification.
Comment: This variant is classified as likely benign based on ACMG/AMP sequence variant interpretation guidelines (Richards et al. 2015 PMID: 25741868, with internal and published modifications).